The following is an entry in ClinVar:

ClinVar aggregate classification (germline): Uncertain significance (1 of 4 stars; one submission).

Allele frequency attached by ClinVar (database versions not stated): gnomAD exomes below 0.00001.
gnomAD v4.1: 1 of 1,614,080 alleles (0.000062%); highest among the groups gnomAD compares: Non-Finnish European, 0.000085%; no homozygotes.

Submission:

GeneDx
Classification: Uncertain significance. Last evaluated: 2023-12-07. Review status: criteria provided, single submitter. Criteria: GeneDx Variant Classification Process June 2021. Collection method: clinical testing. Allele origin: germline. Affected: yes.
Comment: Not observed at significant frequency in large population cohorts (gnomAD); In silico analysis supports that this missense variant does not alter protein structure/function; Has not been previously published as pathogenic or benign to our knowledge; This variant is associated with the following publications: (PMID: 20619386, 18034775)

NM_005188.4(CBL):c.502A>G (p.Ile168Val)

Gene: CBL (Cbl proto-oncogene; plus strand). Cytogenetic location: 11q23.3.
Variant type: single nucleotide variant.
Coding change: c.502A>G on transcript NM_005188.4 (MANE Select); coding-DNA position 502, A replaced by G.
Protein change: p.Ile168Val; replaces isoleucine 168 with valine.
Molecular consequence: missense variant.
Genome position (GRCh38, 1-based): chr11:119,271,793, A>G. VCF-style: chr11-119271793-A-G. GRCh37 (hg19) VCF-style: chr11-119142503-A-G.
Other names: short protein forms I168V.
Identifiers: ClinVar variation 3252553 (VCV003252553.1), dbSNP rs2496927409.